The following is an entry in ClinVar:

NM_005573.4(LMNB1):c.1361T>C (p.Ile454Thr)

Gene: LMNB1 (lamin B1; plus strand). Cytogenetic location: 5q23.2.
Variant type: single nucleotide variant.
Coding change: c.1361T>C on transcript NM_005573.4 (MANE Select); coding-DNA position 1361, T replaced by C.
Protein change: p.Ile454Thr; replaces isoleucine 454 with threonine.
Molecular consequence: missense variant. On other transcripts: non-coding transcript variant (2).
Genome position (GRCh38, 1-based): chr5:126,821,110, T>C. VCF-style: chr5-126821110-T-C. GRCh37 (hg19) VCF-style: chr5-126156802-T-C.
Other names: c.731T>C, p.Ile244Thr (NM_001198557.2); short protein forms I454T, I244T.
Identifiers: ClinVar variation 2599057 (VCV002599057.4), dbSNP rs748388376, ClinGen allele CA3390691.

ClinVar aggregate classification (germline): Uncertain significance. Review status: criteria provided, multiple submitters, no conflicts (2 of 4 stars). 3 submissions from 3 submitters: Uncertain significance (3). Last evaluated 2023-10-26.

Conditions:
Microcephaly 26, primary, autosomal dominant. Identifiers: MedGen C5543048, MONDO:0030928, OMIM 619179.
LMNB1-related disorder. Also called: LMNB1-Related Disorders; LMNB1-related condition.
Inborn genetic diseases. Identifiers: MedGen C0950123, MeSH D030342.

Allele frequency attached by ClinVar (database versions not stated): ExAC 0.00002; gnomAD 0.00002; gnomAD exomes 0.00002; TOPMed 0.00002.
gnomAD v4.1: 32 of 1,613,480 alleles (0.002%); highest among the groups gnomAD compares: Non-Finnish European, 0.0026%; no homozygotes.

Submissions (3):

Pittsburgh Clinical Genomics Laboratory, University of Pittsburgh Medical Center
Classification: Uncertain significance for Microcephaly 26, primary, autosomal dominant. Last evaluated: 2023-10-26. Review status: criteria provided, single submitter. Criteria: ACMG Guidelines, 2015. Collection method: clinical testing. Allele origin: germline. Inheritance: Autosomal dominant inheritance. Affected: yes.
Comment: This sequence variant is a single nucleotide substitution (T>C) at position 1361 of the coding sequence of the LMNB1 gene that results in an isoleucine to threonine amino acid change at residue 454 of the lamin B1 protein. This variant is absent from ClinVar but is present in 7 of 402692 alleles (0.0017%) in the gnomAD population dataset. To our knowledge, this variant has not been observed in an individual with a LMNB1-related disorder in the published literature. Multiple bioinformatic tools predict that this isoleucine to threonine amino acid change would be damaging, and the Ile454 residue at this position is highly conserved across the vertebrate species examined. Studies examining the functional consequence of this variant have not been published, to our knowledge. At this time, there is insufficient evidence to determine if this variant is pathogenic or benign. Therefore, we consider this a variant of uncertain significance. ACMG Criteria: PM2, PP2, PP3

Ambry Genetics
Classification: Uncertain significance for Inborn genetic diseases. Last evaluated: 2023-08-10. Review status: criteria provided, single submitter. Criteria: Ambry Variant Classification Scheme 2023. Collection method: clinical testing. Allele origin: germline.

PreventionGenetics, part of Exact Sciences
Classification: Uncertain significance for LMNB1-related condition. Last evaluated: 2023-03-31. Review status: criteria provided, single submitter. Criteria: ACMG Guidelines, 2015. Collection method: clinical testing. Allele origin: germline.
Comment: The LMNB1 c.1361T>C variant is predicted to result in the amino acid substitution p.Ile454Thr. To our knowledge, this variant has not been reported in the literature. This variant is reported in 0.0035% of alleles in individuals of European (Non-Finnish) descent in gnomAD. At this time, the clinical significance of this variant is uncertain due to the absence of conclusive functional and genetic evidence.